The following is an entry in ClinVar:

ClinVar aggregate classification (germline): Uncertain significance. Review status: criteria provided, multiple submitters, no conflicts (2 of 4 stars). 2 submissions from 2 submitters: Uncertain significance (2). Last evaluated 2022-06-07.

gnomAD v4.1: 2 of 1,613,806 alleles (0.00012%); highest among the groups gnomAD compares: Non-Finnish European, 0.00017%; no homozygotes.

Submissions (2):

Labcorp Genetics (formerly Invitae), Labcorp
Classification: Uncertain significance. Last evaluated: 2022-06-07. Review status: criteria provided, single submitter. Criteria: Invitae Variant Classification Sherloc (09022015). Collection method: clinical testing. Allele origin: germline.
Comment: This sequence change replaces phenylalanine, which is neutral and non-polar, with serine, which is neutral and polar, at codon 2847 of the ADGRV1 protein (p.Phe2847Ser). This variant is not present in population databases (gnomAD no frequency). This variant has not been reported in the literature in individuals affected with ADGRV1-related conditions. Algorithms developed to predict the effect of missense changes on protein structure and function (SIFT, PolyPhen-2, Align-GVGD) all suggest that this variant is likely to be disruptive. In summary, the available evidence is currently insufficient to determine the role of this variant in disease. Therefore, it has been classified as a Variant of Uncertain Significance.

Blueprint Genetics
Classification: Uncertain significance. Last evaluated: 2017-08-15. Review status: criteria provided, single submitter. Criteria: ACMG Guidelines, 2015. Collection method: clinical testing. Allele origin: germline.

NM_032119.4(ADGRV1):c.8540T>C (p.Phe2847Ser)

Gene: ADGRV1 (adhesion G protein-coupled receptor V1; plus strand). Cytogenetic location: 5q14.3.
Variant type: single nucleotide variant.
Coding change: c.8540T>C on transcript NM_032119.4 (MANE Select); coding-DNA position 8540, T replaced by C.
Protein change: p.Phe2847Ser; replaces phenylalanine 2847 with serine.
Molecular consequence: missense variant. On other transcripts: non-coding transcript variant (1).
Genome position (GRCh38, 1-based): chr5:90,705,553, T>C. VCF-style: chr5-90705553-T-C. GRCh37 (hg19) VCF-style: chr5-90001370-T-C.
Other names: short protein forms F2847S.
Identifiers: ClinVar variation 2033887 (VCV002033887.2), dbSNP rs758274887, ClinGen allele CA360391578.
Genomic context (GRCh38, chr5:90,705,553, plus strand): 5'-ATTTTGCTCTTTCATCAAGATTTGTGTTACTACAAGAGGCTAACATAACAATTCAGCTTT[T>C]CATCAACAGAGAATTTGGATCTCTAGGTTTGTGTTACTCTAGAATGAATGGGGTTTCCAG-3'
Protein context (NP_115495.3, residues 2837-2857): LQEANITIQL[Phe2847Ser]INREFGSLGA